The following is an entry in ClinVar:

NM_001350814.2(GRB10):c.1263G>A (p.Ser421=)

Gene: GRB10 (growth factor receptor bound protein 10; minus strand). Cytogenetic location: 7p12.1.
Variant type: single nucleotide variant.
Coding change: c.1263G>A on transcript NM_001350814.2 (MANE Select); coding-DNA position 1263, G replaced by A.
Protein change: p.Ser421=; no amino-acid change (serine 421 retained).
Molecular consequence: synonymous variant.
Genome position (GRCh38, 1-based): chr7:50,606,346, C>T on the plus strand (G>A on the coding strand, the complement: GRB10 is on the minus strand). VCF-style: chr7-50606346-C-T. GRCh37 (hg19) VCF-style: chr7-50674043-C-T.
Other names: c.1125G>A, p.Ser375= (NM_001001549.3); c.1089G>A, p.Ser363= (NM_001001550.3, NM_001001555.3, NM_001350816.3 and 1 more transcripts); c.1377G>A, p.Ser459= (NM_001350815.2); c.1410G>A, p.Ser470= (NM_001371009.1).
Identifiers: ClinVar variation 3052388 (VCV003052388.2), dbSNP rs61734187, ClinGen allele CA4262695.
Genomic context (GRCh38, chr7:50,606,346, plus strand): 5'-ATGCAGAAGCTGAAAAGGCACTAGACTTCTGAAGCTCCTGGCTTTACTTACCACTGGCGT[C>T]GAGAACGGGGACAGCAAGGCCTTCCTCTGCTGAGGGATTCGGTAATTCTGGTAAAGGAGC-3'
Protein context (NP_001337743.1, residues 411-431): QQRKALLSPF[Ser421=]TPVRSVSENS

ClinVar aggregate classification (germline): Benign (0 of 4 stars; one submission).

Conditions:
GRB10-related disorder. Also called: GRB10-related condition.

Allele frequency attached by ClinVar (database versions not stated): gnomAD exomes 0.00083; ExAC 0.00193; 1000 Genomes Project 0.00459; 1000 Genomes Project 30x 0.00547; gnomAD 0.00591; TOPMed 0.00623; ESP Exome Variant Server 0.00735.
gnomAD v4.1: 2,143 of 1,613,726 alleles (0.13%); highest among the groups gnomAD compares: African/African-American, 2%; 23 homozygotes.

Submission:

PreventionGenetics, part of Exact Sciences
Classification: Benign for GRB10-related condition. Last evaluated: 2019-03-01. Review status: no assertion criteria provided. Collection method: clinical testing. Allele origin: germline.
Comment: This variant is classified as benign based on ACMG/AMP sequence variant interpretation guidelines (Richards et al. 2015 PMID: 25741868, with internal and published modifications).